The following is an entry in ClinVar:

NM_007294.4(BRCA1):c.1033G>T (p.Asp345Tyr)

Gene: BRCA1 (BRCA1 DNA repair associated; minus strand). Cytogenetic location: 17q21.31.
Variant type: single nucleotide variant.
Coding change: c.1033G>T on transcript NM_007294.4 (MANE Select); coding-DNA position 1033, G replaced by T.
Protein change: p.Asp345Tyr; replaces aspartic acid 345 with tyrosine.
Molecular consequence: missense variant. On other transcripts: intron variant (137).
Genome position (GRCh38, 1-based): chr17:43,094,498, C>A on the plus strand (G>T on the coding strand, the complement: BRCA1 is on the minus strand). VCF-style: chr17-43094498-C-A. GRCh37 (hg19) VCF-style: chr17-41246515-C-A.
Other names: c.1033G>T, p.Asp345Tyr (NM_001407602.1, NM_001407603.1, NM_001407605.1 and 30 more transcripts); c.1030G>T, p.Asp344Tyr (NM_001407610.1, NM_001407611.1, NM_001407612.1 and 22 more transcripts); c.955G>T, p.Asp319Tyr (NM_001407653.1, NM_001407654.1, NM_001407655.1 and 4 more transcripts); c.952G>T, p.Asp318Tyr (NM_001407659.1, NM_001407660.1, NM_001407661.1 and 1 more transcripts); c.907G>T, p.Asp303Tyr (NM_001407671.1, NM_001407672.1, NM_001407673.1 and 11 more transcripts); c.910G>T, p.Asp304Tyr (NM_001407674.1, NM_001407675.1, NM_001407676.1 and 19 more transcripts); c.892G>T, p.Asp298Tyr (NM_001407692.1, NM_001407694.1, NM_001407695.1 and 29 more transcripts); c.889G>T, p.Asp297Tyr (NM_001407740.1, NM_001407741.1, NM_001407742.1 and 20 more transcripts); and 40 more; short protein forms D345Y, D298Y, D177Y, D217Y, D233Y, D277Y, D218Y, D257Y.
Identifiers: ClinVar variation 37388 (VCV000037388.28), dbSNP rs80356961, ClinGen allele CA000695.

ClinVar aggregate classification (germline): Conflicting classifications of pathogenicity. Review status: criteria provided, conflicting classifications (1 of 4 stars). 11 submissions from 11 submitters: Uncertain significance (6); Likely benign (1). 4 of the submissions do not count toward it. Last evaluated 2026-06-05.

Conditions:
Hereditary cancer-predisposing syndrome. Also called: Neoplastic Syndromes, Hereditary; Tumor predisposition; Hereditary neoplastic syndrome; Hereditary Cancer Syndrome. Identifiers: Orphanet 140162, MedGen C0027672, MeSH D009386, MONDO:0015356.
Hereditary breast ovarian cancer syndrome. Also called: Breast and ovarian cancer; Hereditary breast and/or ovarian cancer syndrome; Hereditary breast and ovarian cancer syndrome (HBOC); Hereditary breast and ovarian cancer; Hereditary breast and ovarian cancer syndrome; BRCA1- and BRCA2-Associated Hereditary Breast and Ovarian Cancer. Identifiers: Orphanet 145, MedGen C0677776, MeSH D061325, MONDO:0003582. Disease mechanism: loss of function.
Breast-ovarian cancer, familial, susceptibility to, 1 (BROVCA1). Also called: BRCA1 Hereditary Breast and Ovarian Cancer; OVARIAN CANCER, SUSCEPTIBILITY TO. Identifiers: Orphanet 145, MedGen C2676676, MONDO:0011450, OMIM 604370. Disease mechanism: loss of function.
Familial cancer of breast. Also called: Hereditary breast cancer; hereditary breast carcinoma; BREAST CANCER, FAMILIAL. Identifiers: Orphanet 227535, MedGen C0346153, MONDO:0016419, OMIM 114480. Disease mechanism: loss of function.

Submissions (11):

Women's Health and Genetics/Laboratory Corporation of America, LabCorp
Classification: Uncertain significance. Last evaluated: 2026-06-05. Review status: criteria provided, single submitter. Criteria: LabCorp Variant Classification Summary - May 2015. Collection method: clinical testing. Allele origin: germline.
Comment: Variant summary: BRCA1 c.1033G>T (p.Asp345Tyr) results in a non-conservative amino acid change in the encoded protein sequence. Algorithms developed to predict the effect of missense changes on protein structure and function are either unavailable or do not agree on the potential impact of this missense change. The variant was absent in 251252 control chromosomes (gnomAD). The available data on variant occurrences in the general population are insufficient to allow any conclusion about variant significance. c.1033G>T has been observed in individuals affected with breast or ovarian cancer without strong evidence of causality (e.g. Borg_2010, Chan_2018, Dorling_2021, Kwong_2022, Zhang_2022). These reports do not provide unequivocal conclusions about association of the variant with disease. Co-occurrences with another pathogenic variant have been reported (BRCA1 c.2635G>T, p.Glu879Ter, Chan_2018, BIC database), providing supporting evidence for a benign role. To our knowledge, no experimental evidence demonstrating an impact on protein function has been reported. The following publications have been ascertained in the context of this evaluation (PMID: 30093976, 35641994, 35918668, 20104584, 33471991). ClinVar contains an entry for this variant (Variation ID: 37388). Based on the evidence outlined above, the variant was classified as uncertain significance.

Ambry Genetics
Classification: Uncertain significance for Hereditary cancer-predisposing syndrome. Last evaluated: 2025-05-01. Review status: criteria provided, single submitter. Criteria: Ambry Variant Classification Scheme 2023. Collection method: clinical testing. Allele origin: germline.
Comment: The p.D345Y variant (also known as c.1033G>T), located in coding exon 9 of the BRCA1 gene, results from a G to T substitution at nucleotide position 1033. The aspartic acid at codon 345 is replaced by tyrosine, an amino acid with highly dissimilar properties. This variant has been previously detected in breast cancer cohorts in the literature (Borg A et al. Hum. Mutat., 2010 Mar;31:E1200-40; Ahmad J et al. Clin. Genet., 2012 Dec;82:594-8). This amino acid position is not well conserved in available vertebrate species. In addition, this alteration is predicted to be deleterious by in silico analysis. Based on the available evidence, the clinical significance of this variant remains unclear.

Labcorp Genetics (formerly Invitae), Labcorp
Classification: Uncertain significance for Hereditary breast ovarian cancer syndrome. Last evaluated: 2025-04-21. Review status: criteria provided, single submitter. Criteria: Invitae Variant Classification Sherloc (09022015). Collection method: clinical testing. Allele origin: germline.
Comment: This sequence change replaces aspartic acid, which is acidic and polar, with tyrosine, which is neutral and polar, at codon 345 of the BRCA1 protein (p.Asp345Tyr). This variant is not present in population databases (gnomAD no frequency). This missense change has been observed in individual(s) with breast cancer (PMID: 20104584, 22486713, 30093976). ClinVar contains an entry for this variant (Variation ID: 37388). Invitae Evidence Modeling of protein sequence and biophysical properties (such as structural, functional, and spatial information, amino acid conservation, physicochemical variation, residue mobility, and thermodynamic stability) indicates that this missense variant is expected to disrupt BRCA1 protein function with a positive predictive value of 80%. In summary, the available evidence is currently insufficient to determine the role of this variant in disease. Therefore, it has been classified as a Variant of Uncertain Significance.

University of Washington Department of Laboratory Medicine, University of Washington
Classification: Likely benign for Hereditary cancer-predisposing syndrome. Last evaluated: 2023-03-23. Review status: criteria provided, single submitter. Criteria: Dines et al. (Genet Med. 2020). Collection method: curation. Allele origin: germline.
Comment: Missense variant in a coldspot region where missense variants are very unlikely to be pathogenic (PMID:31911673).

BRCA1 coldspot (exon 11 using historical exon numbering). Reclassification based on statistical prior probability

Quest Diagnostics Nichols Institute San Juan Capistrano
Classification: Uncertain significance. Last evaluated: 2021-05-03. Review status: criteria provided, single submitter. Criteria: Quest Diagnostics criteria. Collection method: clinical testing. Allele origin: unknown.

Color Diagnostics, LLC DBA Color Health
Classification: Uncertain significance for Hereditary cancer-predisposing syndrome. Last evaluated: 2020-09-30. Review status: criteria provided, single submitter. Criteria: ACMG Guidelines, 2015. Collection method: clinical testing. Allele origin: germline.
Comment: This missense variant replaces aspartic acid with tyrosine at codon 345 of the BRCA1 protein. Computational prediction is inconclusive regarding the impact of this variant on protein structure and function (internally defined REVEL score threshold 0.5 < inconclusive < 0.7, PMID: 27666373). To our knowledge, functional studies have not been reported for this variant. This variant has been reported in three individuals affected with breast cancer (PMID: 20104584, 22486713, DOI 10.17582/) and an individual affected with ovarian cancer (PMID: 26541979). This variant has not been identified in the general population by the Genome Aggregation Database (gnomAD). The available evidence is insufficient to determine the role of this variant in disease conclusively. Therefore, this variant is classified as a Variant of Uncertain Significance.

GeneDx
Classification: Uncertain significance. Last evaluated: 2015-09-29. Review status: criteria provided, single submitter. Criteria: GeneDx Variant Classification (06012015). Collection method: clinical testing. Allele origin: germline. Affected: yes.
Comment: This variant is denoted BRCA1 c.1033G>T at the cDNA level, p.Asp345Tyr (D345Y) at the protein level, and results in the change of an Aspartic Acid to a Tyrosine (GAT>TAT). Using alternate nomenclature, this variant would be defined as BRCA1 1152G>T. This variant has not, to our knowledge, been published in the literature as being pathogenic or benign. BRCA1 Asp345Tyr was not observed in approximately 6,500 individuals of European and African American ancestry in the NHLBI Exome Sequencing Project, indicating it is not a common benign variant in these populations. Since Aspartic Acid and Tyrosine differ in polarity, charge, size or other properties, this is considered a non-conservative amino acid substitution. BRCA1 Asp345Tyr occurs at a position that is not conserved and is located in a region known to interact with multiple proteins (Paul 2014). In silico analyses are inconsistent regarding the effect this variant may have on protein structure and function. Based on currently available evidence, it is unclear whether BRCA1 Asp345Tyr is pathogenic or benign. We consider it to be a variant of uncertain significance.

Counsyl
Classification: Uncertain significance for Breast-ovarian cancer, familial, susceptibility to, 1. Last evaluated: 2018-01-30. Review status: no assertion criteria provided. Collection method: clinical testing. Allele origin: unknown. Not counted in ClinVar's aggregate classification.

Breast Cancer Information Core (BIC) (BRCA1)
Classification: Uncertain significance for Breast-ovarian cancer, familial 1. Last evaluated: 2010-09-18. Review status: no assertion criteria provided. Collection method: clinical testing. Allele origin: germline. Affected: yes. Observed: 2 variant alleles. Not counted in ClinVar's aggregate classification.

Sharing Clinical Reports Project (SCRP)
Classification: Uncertain significance for Breast-ovarian cancer, familial 1. Last evaluated: 2006-01-11. Review status: no assertion criteria provided. Collection method: clinical testing. Allele origin: germline. Not counted in ClinVar's aggregate classification.

Center for Precision Medicine, Meizhou People's Hospital
Classification: Uncertain significance for Familial cancer of breast. Review status: no assertion criteria provided. Collection method: literature only. Allele origin: germline. Affected: yes. Not counted in ClinVar's aggregate classification.

Literature cited by the submitters: PubMed 20104584 (cited by 5 submitters); PubMed 30093976 (cited by 4 submitters); PubMed 33471991 (cited by 3 submitters); PubMed 35918668 (cited by Women's Health and Genetics/Laboratory Corporation of America, LabCorp); PubMed 35641994 (cited by Women's Health and Genetics/Laboratory Corporation of America, LabCorp); PubMed 22486713 (cited by 4 submitters); PubMed 32068069 (cited by Quest Diagnostics Nichols Institute San Juan Capistrano and Center for Precision Medicine, Meizhou People's Hospital); PubMed 31131967 (cited by Quest Diagnostics Nichols Institute San Juan Capistrano and Center for Precision Medicine, Meizhou People's Hospital); PubMed 28222693 (cited by Quest Diagnostics Nichols Institute San Juan Capistrano); PubMed 26541979 (cited by Quest Diagnostics Nichols Institute San Juan Capistrano and Counsyl).